The following is an entry in ClinVar:

ClinVar aggregate classification (germline): Pathogenic (1 of 4 stars; one submission).

Conditions:
Oligodontia-cancer predisposition syndrome. Also called: TOOTH AGENESIS-COLORECTAL CANCER SYNDROME. Identifiers: Orphanet 300576, MedGen C1837750, MONDO:0012075, OMIM 608615. Disease mechanism: loss of function.

Submission:

Labcorp Genetics (formerly Invitae), Labcorp
Classification: Pathogenic for Oligodontia-cancer predisposition syndrome. Last evaluated: 2022-08-14. Review status: criteria provided, single submitter. Criteria: Invitae Variant Classification Sherloc (09022015). Collection method: clinical testing. Allele origin: germline.
Comment: For these reasons, this variant has been classified as Pathogenic. This variant has not been reported in the literature in individuals affected with AXIN2-related conditions. This sequence change creates a premature translational stop signal (p.Tyr768*) in the AXIN2 gene. It is expected to result in an absent or disrupted protein product. Loss-of-function variants in AXIN2 are known to be pathogenic (PMID: 15042511, 21416598). This variant is not present in population databases (gnomAD no frequency).

Literature cited by the submitters: PubMed 15042511; PubMed 21416598.

NM_004655.4(AXIN2):c.2303_2304insAA (p.Tyr768Ter)

Gene: AXIN2 (axin 2; minus strand). Cytogenetic location: 17q24.1.
Variant type: Insertion.
Coding change: c.2303_2304insAA on transcript NM_004655.4 (MANE Select); coding-DNA positions 2303 to 2304, AA inserted.
Protein change: p.Tyr768Ter; replaces tyrosine 768 with a stop codon.
Molecular consequence: nonsense.
Genome position: GRCh38 VCF-style: chr17-65534013-G-GTT. GRCh37 (hg19) VCF-style: chr17-63530131-G-GTT.
Other names: c.2108_2109insAA, p.Tyr703Ter (NM_001363813.1); short protein forms Y768*, Y703*.
Identifiers: ClinVar variation 2124293 (VCV002124293.4), dbSNP rs2509389560, ClinGen allele CA2580094693.